The following is an entry in ClinVar:

ClinVar aggregate classification (germline): Likely benign (0 of 4 stars; one submission).

Conditions:
HR-related disorder. Also called: HR-related condition; HR-related disorders. Identifiers: MedGen CN239293.

Allele frequency attached by ClinVar (database versions not stated): gnomAD exomes below 0.00001.
gnomAD v4.1: 2 of 1,613,458 alleles (0.00012%); highest among the groups gnomAD compares: Non-Finnish European, 0.000085%; no homozygotes.

Submission:

PreventionGenetics, part of Exact Sciences
Classification: Likely benign for HR-related condition. Last evaluated: 2020-11-16. Review status: no assertion criteria provided. Collection method: clinical testing. Allele origin: germline.
Comment: This variant is classified as likely benign based on ACMG/AMP sequence variant interpretation guidelines (Richards et al. 2015 PMID: 25741868, with internal and published modifications).

NM_005144.5(HR):c.2122-10G>A

Gene: HR (HR lysine demethylase and nuclear receptor corepressor; minus strand). Cytogenetic location: 8p21.3.
Variant type: single nucleotide variant.
Coding change: c.2122-10G>A on transcript NM_005144.5 (MANE Select); 10 bases into the intron before coding-DNA position 2122, G replaced by A.
Molecular consequence: intron variant.
Genome position (GRCh38, 1-based): chr8:22,121,704, C>T on the plus strand (G>A on the coding strand, the complement: HR is on the minus strand). VCF-style: chr8-22121704-C-T. GRCh37 (hg19) VCF-style: chr8-21979217-C-T.
Other names: c.2122-10G>A (NM_018411.4).
Identifiers: ClinVar variation 3029889 (VCV003029889.2), dbSNP rs1410521010, ClinGen allele CA580535082.
Genomic context (GRCh38, chr8:22,121,704, plus strand): 5'-GCCATTGCAGGAAGGTTGTGGAGTTGGGGGCGTTTTCTGTGTTGATTCCTTCTGTTAAAC[C>T]CATCCACCACCCCCCCAATCCAACCAGAGATTTTAAAATGGCAGACACAATTCAACAGAA-3'